The following is an entry in ClinVar:

NM_000038.6(APC):c.7377T>G (p.Ser2459=)

Gene: APC (APC regulator of Wnt signaling pathway; plus strand). Cytogenetic location: 5q22.2.
Variant type: single nucleotide variant.
Coding change: c.7377T>G on transcript NM_000038.6 (MANE Select); coding-DNA position 7377, T replaced by G.
Protein change: p.Ser2459=; no amino-acid change (serine 2459 retained).
Molecular consequence: synonymous variant. On other transcripts: non-coding transcript variant (2).
Genome position (GRCh38, 1-based): chr5:112,842,971, T>G. VCF-style: chr5-112842971-T-G. GRCh37 (hg19) VCF-style: chr5-112178668-T-G.
Other names: c.7377T>G, p.Ser2459= (NM_001127510.3, NM_001354895.2, NM_001407450.1); c.7323T>G, p.Ser2441= (NM_001127511.3); c.7431T>G, p.Ser2477= (NM_001354896.2, NM_001407447.1, NM_001407448.1 and 1 more transcripts); c.7407T>G, p.Ser2469= (NM_001354897.2); c.7302T>G, p.Ser2434= (NM_001354898.2); c.7293T>G, p.Ser2431= (NM_001354899.2); c.7254T>G, p.Ser2418= (NM_001354900.2); c.7200T>G, p.Ser2400= (NM_001354901.2, NM_001407453.1); and 11 more.
Identifiers: ClinVar variation 1758590 (VCV001758590.3), dbSNP rs775573115, ClinGen allele CA446210529.

ClinVar aggregate classification (germline): Likely benign. Review status: criteria provided, multiple submitters, no conflicts (2 of 4 stars). 2 submissions from 2 submitters: Likely benign (2). Last evaluated 2024-05-14.

Conditions:
Hereditary cancer-predisposing syndrome. Also called: Neoplastic Syndromes, Hereditary; Tumor predisposition; Hereditary Cancer Syndrome; Hereditary neoplastic syndrome. Identifiers: Orphanet 140162, MedGen C0027672, MeSH D009386, MONDO:0015356.
Classic or attenuated familial adenomatous polyposis. Identifiers: MedGen CN372698, MONDO:0021057.

Submissions (2):

All of Us Research Program, National Institutes of Health
Classification: Likely benign for Classic or attenuated familial adenomatous polyposis. Last evaluated: 2024-05-14. Review status: criteria provided, single submitter. Criteria: ACMG Guidelines, 2015. Collection method: clinical testing. Allele origin: germline. Inheritance: Autosomal dominant inheritance. Observed: 1 variant allele, 1 heterozygote.
Comment: This study involves interpretation of variants in research participants for the purpose of population health screening. Participant phenotype was not available at the time of variant classification. Additional details can be found in publication PMID: 35346344, PMCID: PMC8962531

Ambry Genetics
Classification: Likely benign for Hereditary cancer-predisposing syndrome. Last evaluated: 2019-07-15. Review status: criteria provided, single submitter. Criteria: Ambry Variant Classification Scheme 2023. Collection method: clinical testing. Allele origin: germline.